The following is an entry in ClinVar:

NM_194248.3(OTOF):c.154G>A (p.Val52Met)

Gene: OTOF (otoferlin; minus strand). Cytogenetic location: 2p23.3.
Variant type: single nucleotide variant.
Coding change: c.154G>A on transcript NM_194248.3 (MANE Select); coding-DNA position 154, G replaced by A.
Protein change: p.Val52Met; replaces valine 52 with methionine.
Molecular consequence: missense variant.
Genome position (GRCh38, 1-based): chr2:26,527,905, C>T on the plus strand (G>A on the coding strand, the complement: OTOF is on the minus strand). VCF-style: chr2-26527905-C-T. GRCh37 (hg19) VCF-style: chr2-26750773-C-T.
Other names: c.154G>A, p.Val52Met (NM_001287489.2); short protein forms V52M.
Identifiers: ClinVar variation 164881 (VCV000164881.19), dbSNP rs199992845, ClinGen allele CA177571.

ClinVar aggregate classification (germline): Conflicting classifications of pathogenicity. Review status: criteria provided, conflicting classifications (1 of 4 stars). 7 submissions from 7 submitters: Uncertain significance (5); Likely benign (1). 1 of the submissions does not count toward it. Last evaluated 2026-10-01.

Conditions:
Autosomal recessive nonsyndromic hearing loss 9. Also called: Deafness, autosomal recessive 9; AUDITORY NEUROPATHY, AUTOSOMAL RECESSIVE, 1, TEMPERATURE-SENSITIVE; OTOF-Related Hearing Loss; NEUROSENSORY NONSYNDROMIC RECESSIVE DEAFNESS 9. Identifiers: Orphanet 90636, MedGen C1832828, MONDO:0010986, OMIM 601071.

Allele frequency attached by ClinVar (database versions not stated): ESP Exome Variant Server 0.00023; gnomAD exomes 0.00023 and 0.00028; TOPMed 0.00035; ExAC 0.00018; gnomAD 0.00023 and 0.00026.

Submissions (7):

GeneDx
Classification: Uncertain significance. Last evaluated: 2026-10-01. Review status: criteria provided, single submitter. Criteria: GeneDx Variant Classification Process June 2021. Collection method: clinical testing. Allele origin: germline.
Comment: Identified in patients with hearing loss in published literature, however, a second OTOF variant was either not identified or is classified by GeneDx as likely benign (PMID: 29907799, 37811145); In silico analysis suggests that this missense variant does not alter protein structure/function; This variant is associated with the following publications: (PMID: 29907799, 37811145, 39265223)

Labcorp Genetics (formerly Invitae), Labcorp
Classification: Likely benign. Last evaluated: 2026-01-09. Review status: criteria provided, single submitter. Criteria: Invitae Variant Classification Sherloc (09022015). Collection method: clinical testing. Allele origin: germline.

Blueprint Genetics
Classification: Uncertain significance. Last evaluated: 2024-10-17. Review status: criteria provided, single submitter. Criteria: ACMG Guidelines, 2015. Collection method: clinical testing. Allele origin: germline.

Illumina Laboratory Services, Illumina
Classification: Uncertain significance for Autosomal recessive nonsyndromic hearing loss 9. Last evaluated: 2018-01-13. Review status: criteria provided, single submitter. Criteria: ICSL Variant Classification Criteria 13 December 2019. Collection method: clinical testing. Allele origin: germline.

Laboratory for Molecular Medicine, Mass General Brigham Personalized Medicine
Classification: Uncertain significance. Last evaluated: 2017-07-13. Review status: criteria provided, single submitter. Criteria: LMM Criteria. Collection method: clinical testing. Allele origin: germline. Observed: 2 variant alleles.
Comment: This variant has also been reported in ClinVar (Variatio n ID# 164881) as of uncertain significance. The p.Val52Met variant has been iden tified in 28/34420 Latino chromosomes by the Genome Aggregation Database (gnomAD; dbSNP rs199992845); however its frequency is not high enough to rule out a pathogenic role. Computational prediction tools a nd conservation analyses do not provide strong support for or against an impact to the protein. In summary, the clinical significance of the p.Val52Met variant is uncertain.

Breakthrough Genomics
Classification: Uncertain significance. Review status: criteria provided, single submitter. Criteria: ACMG Guidelines, 2015. Collection method: not provided. Allele origin: germline. Inheritance: Autosomal recessive inheritance. Affected: yes.

Division of Human Genetics, Children's Hospital of Philadelphia
Classification: Uncertain significance for Deafness, autosomal recessive 9. Last evaluated: 2015-05-23. Review status: no assertion criteria provided. Collection method: research. Allele origin: maternal. Affected: yes. Study: CSER-PediSeq. Not counted in ClinVar's aggregate classification.
Comment: Tne heterozygous variant was identified in the OTOF gene (c.154G>A; p.Val52Met) is considered a variant of uncertain significance. This variant has not been previously published in the literature and it is seen in 22 individuals in the ExAC database. Pathogenic mutations in this gene have been associated with autosomal recessive Deafness (MIM: 601071). The call for unknown significance for this variant is due to it's being a rare variant in an amino acid position that is conserved through birds.